The following is an entry in ClinVar:

NM_014795.4(ZEB2):c.182G>A (p.Ser61Asn)

Gene: ZEB2 (zinc finger E-box binding homeobox 2; minus strand). Cytogenetic location: 2q22.3.
Variant type: single nucleotide variant.
Coding change: c.182G>A on transcript NM_014795.4 (MANE Select); coding-DNA position 182, G replaced by A.
Protein change: p.Ser61Asn; replaces serine 61 with asparagine.
Molecular consequence: missense variant.
Genome position (GRCh38, 1-based): chr2:144,429,918, C>T on the plus strand (G>A on the coding strand, the complement: ZEB2 is on the minus strand). VCF-style: chr2-144429918-C-T. GRCh37 (hg19) VCF-style: chr2-145187485-C-T.
Other names: c.182G>A, p.Ser61Asn (NM_001171653.2); short protein forms S61N.
Identifiers: ClinVar variation 4741942 (VCV004741942.1).

ClinVar aggregate classification (germline): Uncertain significance (1 of 4 stars; one submission).

Conditions:
Mowat-Wilson syndrome (MOWS). Also called: Classic Mowat-Wilson Syndrome. Identifiers: Orphanet 2152, MedGen C1856113, MONDO:0009341, OMIM 235730.

gnomAD v4.1: 1 of 1,613,856 alleles (0.000062%); highest among the groups gnomAD compares: Non-Finnish European, 0.000085%; no homozygotes.

Submission:

Labcorp Genetics (formerly Invitae), Labcorp
Classification: Uncertain significance for Mowat-Wilson syndrome. Last evaluated: 2025-11-09. Review status: criteria provided, single submitter. Criteria: Invitae Variant Classification Sherloc (09022015). Collection method: clinical testing. Allele origin: germline.
Comment: This sequence change replaces serine, which is neutral and polar, with asparagine, which is neutral and polar, at codon 61 of the ZEB2 protein (p.Ser61Asn). This variant is not present in population databases (gnomAD no frequency). This variant has not been reported in the literature in individuals affected with ZEB2-related conditions. Invitae Evidence Modeling of protein sequence and biophysical properties (such as structural, functional, and spatial information, amino acid conservation, physicochemical variation, residue mobility, and thermodynamic stability) indicates that this missense variant is not expected to disrupt ZEB2 protein function with a negative predictive value of 80%. In summary, the available evidence is currently insufficient to determine the role of this variant in disease. Therefore, it has been classified as a Variant of Uncertain Significance.